The following is an entry in ClinVar:

NM_014681.6(DHX34):c.2586C>T (p.Cys862=)

Gene: DHX34 (DExH-box helicase 34; plus strand). Cytogenetic location: 19q13.32.
Variant type: single nucleotide variant.
Coding change: c.2586C>T on transcript NM_014681.6 (MANE Select); coding-DNA position 2586, C replaced by T.
Protein change: p.Cys862=; no amino-acid change (cysteine 862 retained).
Molecular consequence: synonymous variant.
Genome position (GRCh38, 1-based): chr19:47,376,547, C>T. VCF-style: chr19-47376547-C-T. GRCh37 (hg19) VCF-style: chr19-47879804-C-T.
Identifiers: ClinVar variation 2650148 (VCV002650148.25), dbSNP rs376227723, ClinGen allele CA9538555.

ClinVar aggregate classification (germline): Likely benign. Review status: criteria provided, multiple submitters, no conflicts (2 of 4 stars). 2 submissions from 2 submitters: Likely benign (2). Last evaluated 2024-10-14.

Allele frequency attached by ClinVar (database versions not stated): ESP Exome Variant Server 0.00039; ExAC 0.00042; 1000 Genomes Project 30x 0.00047; 1000 Genomes Project 0.00060; gnomAD 0.00069; TOPMed 0.00086.
gnomAD v4.1: 328 of 1,561,906 alleles (0.021%); highest among the groups gnomAD compares: African/African-American, 0.29%; 1 homozygote.

Submissions (2):

Blueprint Genetics
Classification: Likely benign. Last evaluated: 2024-10-14. Review status: criteria provided, single submitter. Criteria: ACMG Guidelines, 2015. Collection method: clinical testing. Allele origin: germline.

CeGaT Center for Human Genetics Tuebingen
Classification: Likely benign. Last evaluated: 2022-09-01. Review status: criteria provided, single submitter. Criteria: CeGaT Center For Human Genetics Tuebingen Variant Classification Criteria Version 2. Collection method: clinical testing. Allele origin: germline. Affected: yes. Observed: 1 variant allele.
Comment: DHX34: BP4, BP7